The following is an entry in ClinVar:

ClinVar aggregate classification (germline): Uncertain significance (1 of 4 stars; one submission).

Conditions:
HYPERHOMOCYSTEINEMIA, THROMBOTIC, CBS-RELATED. Identifiers: MedGen C3150344, OMIM 236200.

Submission:

Labcorp Genetics (formerly Invitae), Labcorp
Classification: Uncertain significance for HYPERHOMOCYSTEINEMIA, THROMBOTIC, CBS-RELATED. Last evaluated: 2022-09-06. Review status: criteria provided, single submitter. Criteria: Invitae Variant Classification Sherloc (09022015). Collection method: clinical testing. Allele origin: germline.
Comment: In summary, the available evidence is currently insufficient to determine the role of this variant in disease. Therefore, it has been classified as a Variant of Uncertain Significance. Algorithms developed to predict the effect of missense changes on protein structure and function (SIFT, PolyPhen-2, Align-GVGD) all suggest that this variant is likely to be tolerated. ClinVar contains an entry for this variant (Variation ID: 1505269). This variant has not been reported in the literature in individuals affected with CBS-related conditions. This variant is not present in population databases (gnomAD no frequency). This sequence change replaces glutamine, which is neutral and polar, with arginine, which is basic and polar, at codon 486 of the CBS protein (p.Gln486Arg).

NM_000071.3(CBS):c.1457A>G (p.Gln486Arg)

Gene: CBS (cystathionine beta-synthase; minus strand). Cytogenetic location: 21q22.3.
Variant type: single nucleotide variant.
Coding change: c.1457A>G on transcript NM_000071.3 (MANE Select); coding-DNA position 1457, A replaced by G.
Protein change: p.Gln486Arg; replaces glutamine 486 with arginine.
Molecular consequence: missense variant.
Genome position (GRCh38, 1-based): chr21:43,058,155, T>C on the plus strand (A>G on the coding strand, the complement: CBS is on the minus strand). VCF-style: chr21-43058155-T-C. GRCh37 (hg19) VCF-style: chr21-44478265-T-C.
Other names: c.1457A>G, p.Gln486Arg (NM_001178008.3, NM_001178009.3, NM_001320298.2); c.1142A>G, p.Gln381Arg (NM_001321072.1); short protein forms Q381R, Q486R.
Identifiers: ClinVar variation 1505269 (VCV001505269.6), dbSNP rs2146337741, ClinGen allele CA410396594.